The following is an entry in ClinVar:

NM_001378183.1(PIEZO2):c.8395C>T (p.Arg2799Cys)

Gene: PIEZO2 (piezo type mechanosensitive ion channel component 2; minus strand). Cytogenetic location: 18p11.22.
Variant type: single nucleotide variant.
Coding change: c.8395C>T on transcript NM_001378183.1 (MANE Select); coding-DNA position 8395, C replaced by T.
Protein change: p.Arg2799Cys; replaces arginine 2799 with cysteine.
Molecular consequence: missense variant.
Genome position (GRCh38, 1-based): chr18:10,671,730, G>A on the plus strand (C>T on the coding strand, the complement: PIEZO2 is on the minus strand). VCF-style: chr18-10671730-G-A. GRCh37 (hg19) VCF-style: chr18-10671727-G-A.
Other names: c.8056C>T, p.Arg2686Cys (NM_022068.4); short protein forms R2686C, R2799C.
Identifiers: ClinVar variation 137630 (VCV000137630.4), dbSNP rs587777451, ClinGen allele CA163196.
Genomic context (GRCh38, chr18:10,671,730, plus strand): 5'-GATCCACATTTGGAAGCTCTTCAAACATGATGGAGTGAGAAATCCCACTGAAGAATTCAC[G>A]GACAAATTTCCCAATCACAAGGACAACTGAAGCATATAATCCCATAATACTGAAAAAAAC-3'
Protein context (NP_001365112.1, residues 2789-2809): SVVLVIGKFV[Arg2799Cys]EFFSGISHSI

ClinVar aggregate classification (germline): Pathogenic/Likely pathogenic. Review status: criteria provided, multiple submitters, no conflicts (2 of 4 stars). 4 submissions from 4 submitters: Pathogenic (1); Likely pathogenic (1). 2 of the submissions do not count toward it. Last evaluated 2022-11-29.

Conditions:
Gordon syndrome (DA3). Also called: ARTHROGRYPOSIS MULTIPLEX CONGENITA, DISTAL, TYPE IIA; CAMPTODACTYLY, CLEFT PALATE, AND CLUBFOOT; Gordon's syndrome. Identifiers: Orphanet 376, MedGen C0220666, MONDO:0007252, OMIM 114300.
Marden-Walker syndrome (MWKS). Also called: Connective tissue disorder Marden Walker type. Identifiers: Orphanet 2461, MedGen C0796033, MONDO:0009564, OMIM 248700.

Submissions (4):

GeneDx
Classification: Pathogenic. Last evaluated: 2022-11-29. Review status: criteria provided, single submitter. Criteria: GeneDx Variant Classification Process June 2021. Collection method: clinical testing. Allele origin: germline. Affected: yes.
Comment: In silico analysis, which includes protein predictors and evolutionary conservation, supports a deleterious effect; Not observed at significant frequency in large population cohorts (gnomAD); This variant is associated with the following publications: (PMID: 24726473, 33726816, 35627109)

3billion
Classification: Likely pathogenic for Gordon syndrome. Last evaluated: 2022-09-01. Review status: criteria provided, single submitter. Criteria: ACMG Guidelines, 2015. Collection method: clinical testing. Allele origin: germline. Affected: yes. Observed: 1 heterozygote.
Comment: The variant is not observed in the gnomAD v2.1.1 dataset. In silico tool predictions suggest damaging effect of the variant on gene or gene product (REVEL: 0.97). Same nucleotide change resulting in same amino acid change has been previously reported to be associated with PIEZO2 -related disorder (ClinVar ID: VCV000137630 / PMID: 24726473). The variant has been previously reported as assumed (i.e. paternity and maternity not confirmed) de novo in at least one similarly affected unrelated individual (PMID: 24726473). Different missense changes at the same codon (p.Arg2799Gly, p.Arg2799His) have been reported as pathogenic/likely pathogenic with strong evidence (ClinVar ID: VCV000137629 , VCV000973945). Therefore, this variant is classified as Likely pathogenic according to the recommendation of ACMG/AMP guideline.

University of Washington Center for Mendelian Genomics, University of Washington
Classification: Pathogenic for Marden-Walker syndrome. Last evaluated: 2014-06-04. Review status: no assertion criteria provided. Collection method: research. Allele origin: de novo. Affected: yes. Not counted in ClinVar's aggregate classification.

OMIM
Classification: Pathogenic for MARDEN-WALKER SYNDROME (1 patient). Last evaluated: 2014-05-01. Review status: no assertion criteria provided. Collection method: literature only. Allele origin: germline. Not counted in ClinVar's aggregate classification.

Literature cited by the submitters: PubMed 24726473 (cited by 3 submitters).